The following is an entry in ClinVar:

NM_020693.4(DSCAML1):c.5903C>T (p.Thr1968Ile)

Gene: DSCAML1 (DS cell adhesion molecule like 1; minus strand). Cytogenetic location: 11q23.3.
Variant type: single nucleotide variant.
Coding change: c.5903C>T on transcript NM_020693.4 (MANE Select); coding-DNA position 5903, C replaced by T.
Protein change: p.Thr1968Ile; replaces threonine 1968 with isoleucine.
Molecular consequence: missense variant.
Genome position (GRCh38, 1-based): chr11:117,428,587, G>A on the plus strand (C>T on the coding strand, the complement: DSCAML1 is on the minus strand). VCF-style: chr11-117428587-G-A. GRCh37 (hg19) VCF-style: chr11-117299303-G-A.
Other names: c.6083C>T (NM_020693.2); short protein forms T1968I.
Identifiers: ClinVar variation 2203434 (VCV002203434.5), dbSNP rs774575847, ClinGen allele CA6295932.

ClinVar aggregate classification (germline): Uncertain significance. Review status: criteria provided, multiple submitters, no conflicts (2 of 4 stars). 2 submissions from 2 submitters: Uncertain significance (2). Last evaluated 2025-12-04.

Allele frequency attached by ClinVar (database versions not stated): gnomAD 0.00001; TOPMed 0.00002; gnomAD exomes 0.00004; ExAC 0.00005.
gnomAD v4.1: 53 of 1,594,770 alleles (0.0033%); highest among the groups gnomAD compares: Non-Finnish European, 0.0044%; no homozygotes.

Submissions (2):

Ambry Genetics
Classification: Uncertain significance. Last evaluated: 2025-12-04. Review status: criteria provided, single submitter. Criteria: Ambry Variant Classification Scheme 2023. Collection method: clinical testing. Allele origin: germline.

Labcorp Genetics (formerly Invitae), Labcorp
Classification: Uncertain significance. Last evaluated: 2024-05-28. Review status: criteria provided, single submitter. Criteria: Invitae Variant Classification Sherloc (09022015). Collection method: clinical testing. Allele origin: germline.
Comment: This sequence change replaces threonine, which is neutral and polar, with isoleucine, which is neutral and non-polar, at codon 2028 of the DSCAML1 protein (p.Thr2028Ile). This variant is present in population databases (rs774575847, gnomAD 0.009%). This variant has not been reported in the literature in individuals affected with DSCAML1-related conditions. ClinVar contains an entry for this variant (Variation ID: 2203434). An algorithm developed to predict the effect of missense changes on protein structure and function (PolyPhen-2) suggests that this variant is likely to be tolerated. In summary, the available evidence is currently insufficient to determine the role of this variant in disease. Therefore, it has been classified as a Variant of Uncertain Significance.